The following is an entry in ClinVar:

NM_018089.3(ANKZF1):c.1396G>A (p.Glu466Lys)

Gene: ANKZF1 (ankyrin repeat and zinc finger peptidyl tRNA hydrolase 1; plus strand). Cytogenetic location: 2q35.
Variant type: single nucleotide variant.
Coding change: c.1396G>A on transcript NM_018089.3 (MANE Select); coding-DNA position 1396, G replaced by A.
Protein change: p.Glu466Lys; replaces glutamic acid 466 with lysine.
Molecular consequence: missense variant.
Genome position (GRCh38, 1-based): chr2:219,235,017, G>A. VCF-style: chr2-219235017-G-A. GRCh37 (hg19) VCF-style: chr2-220099739-G-A.
Other names: c.1396G>A, p.Glu466Lys (NM_001042410.2); c.766G>A, p.Glu256Lys (NM_001282792.2); short protein forms E256K, E466K.
Identifiers: ClinVar variation 3615990 (VCV003615990.2).
Genomic context (GRCh38, chr2:219,235,017, plus strand): 5'-AAAAGCCGAGACCAGGAGGCTGGGGCACATCGGACTCTTCTCCAGCAAACTCAAGAAGAG[G>A]AGCCTTCCACACAGTCATCCCAGGCAGTTGCTGCCCCCTTGGGCCCTTTGCTGGATGAGG-3'
Protein context (NP_060559.2, residues 456-476): RTLLQQTQEE[Glu466Lys]PSTQSSQAVA

ClinVar aggregate classification (germline): Uncertain significance (1 of 4 stars; one submission).

Submission:

Labcorp Genetics (formerly Invitae), Labcorp
Classification: Uncertain significance. Last evaluated: 2024-02-04. Review status: criteria provided, single submitter. Criteria: Invitae Variant Classification Sherloc (09022015). Collection method: clinical testing. Allele origin: germline.
Comment: This sequence change replaces glutamic acid, which is acidic and polar, with lysine, which is basic and polar, at codon 466 of the ANKZF1 protein (p.Glu466Lys). This variant is present in population databases (no rsID available, gnomAD 0.007%). This variant has not been reported in the literature in individuals affected with ANKZF1-related conditions. Algorithms developed to predict the effect of missense changes on protein structure and function output the following: SIFT: "Not Available"; PolyPhen-2: "Benign"; Align-GVGD: "Not Available". The lysine amino acid residue is found in multiple mammalian species, which suggests that this missense change does not adversely affect protein function. In summary, the available evidence is currently insufficient to determine the role of this variant in disease. Therefore, it has been classified as a Variant of Uncertain Significance.